The following is an entry in ClinVar:

ClinVar aggregate classification (germline): Uncertain significance (1 of 4 stars; one submission).

gnomAD v4.1: 15 of 1,510,768 alleles (0.00099%); highest among the groups gnomAD compares: East Asian, 0.0024%; no homozygotes.

Submission:

Labcorp Genetics (formerly Invitae), Labcorp
Classification: Uncertain significance. Last evaluated: 2024-04-18. Review status: criteria provided, single submitter. Criteria: Invitae Variant Classification Sherloc (09022015). Collection method: clinical testing. Allele origin: germline.
Comment: This sequence change replaces proline, which is neutral and non-polar, with leucine, which is neutral and non-polar, at codon 417 of the RELA protein (p.Pro417Leu). This variant is not present in population databases (gnomAD no frequency). This variant has not been reported in the literature in individuals affected with RELA-related conditions. Algorithms developed to predict the effect of missense changes on protein structure and function output the following: SIFT: "Not Available"; PolyPhen-2: "Benign"; Align-GVGD: "Not Available". The leucine amino acid residue is found in multiple mammalian species, which suggests that this missense change does not adversely affect protein function. In summary, the available evidence is currently insufficient to determine the role of this variant in disease. Therefore, it has been classified as a Variant of Uncertain Significance.

NM_021975.4(RELA):c.1250C>T (p.Pro417Leu)

Gene: RELA (RELA proto-oncogene, NF-kB subunit; minus strand). Cytogenetic location: 11q13.1.
Variant type: single nucleotide variant.
Coding change: c.1250C>T on transcript NM_021975.4 (MANE Select); coding-DNA position 1250, C replaced by T.
Protein change: p.Pro417Leu; replaces proline 417 with leucine.
Molecular consequence: missense variant. On other transcripts: intron variant (1).
Genome position (GRCh38, 1-based): chr11:65,654,784, G>A on the plus strand (C>T on the coding strand, the complement: RELA is on the minus strand). VCF-style: chr11-65654784-G-A. GRCh37 (hg19) VCF-style: chr11-65422255-G-A.
Other names: c.1241C>T, p.Pro414Leu (NM_001145138.2); c.1043C>T, p.Pro348Leu (NM_001243984.2); c.1283C>T, p.Pro428Leu (NM_001404657.1); c.1223C>T, p.Pro408Leu (NM_001404658.1); c.1037C>T, p.Pro346Leu (NM_001404659.1); c.932C>T, p.Pro311Leu (NM_001404660.1); c.869C>T, p.Pro290Leu (NM_001404661.1); c.1157C>T, p.Pro386Leu (NM_001404662.1, NM_001404663.1); and 1 more; short protein forms P386L, P408L, P417L, P348L, P414L, P428L, P290L, P311L.
Identifiers: ClinVar variation 2779913 (VCV002779913.3), dbSNP rs2496826140, ClinGen allele CA381387589.